The following is an entry in ClinVar:

ClinVar aggregate classification (germline): Conflicting classifications of pathogenicity. Review status: criteria provided, conflicting classifications (1 of 4 stars). 4 submissions from 4 submitters: Uncertain significance (3); Benign (1). Last evaluated 2026-08-13.

Conditions:
CREBBP-related disorder. Also called: CREBBP-related disorders; CREBBP-related condition.
Menke-Hennekam syndrome 1 (MKHK1). Identifiers: MedGen C5193034, MONDO:0020763, OMIM 618332.
Rubinstein-Taybi syndrome due to CREBBP mutations (RSTS1). Also called: RUBINSTEIN-TAYBI SYNDROME 1, INCOMPLETE; BROAD THUMB-HALLUX SYNDROME; RUBINSTEIN SYNDROME; Rubinstein-Taybi syndrome 1; BROAD THUMBS AND GREAT TOES, CHARACTERISTIC FACIES, AND IMPAIRED INTELLECTUAL DEVELOPMENT; CREBBP-Related Rubinstein-Taybi Syndrome. Identifiers: Orphanet 353277, Orphanet 783, MedGen C4551859, MONDO:0008393, OMIM 180849.
Rubinstein-Taybi syndrome (RSTS). Identifiers: Orphanet 783, MedGen C0035934, MONDO:0019188.

gnomAD v4.1: 4 of 1,613,606 alleles (0.00025%); highest among the groups gnomAD compares: African/African-American, 0.004%; no homozygotes.

Submissions (4):

PreventionGenetics, part of Exact Sciences
Classification: Uncertain significance for CREBBP-related condition. Last evaluated: 2026-08-13. Review status: criteria provided, single submitter. Criteria: ACMG Guidelines, 2015. Collection method: clinical testing. Allele origin: germline.
Comment: The CREBBP c.2420G>C variant is predicted to result in the amino acid substitution p.Ser807Thr. To our knowledge, this variant has not been reported in the literature. This variant is reported in 0.011% of alleles in individuals of African descent in gnomAD. At this time, the clinical significance of this variant is uncertain due to the absence of conclusive functional and genetic evidence.

Labcorp Genetics (formerly Invitae), Labcorp
Classification: Benign for Rubinstein-Taybi syndrome. Last evaluated: 2024-05-23. Review status: criteria provided, single submitter. Criteria: Invitae Variant Classification Sherloc (09022015). Collection method: clinical testing. Allele origin: germline.

Fulgent Genetics
Classification: Uncertain significance for Rubinstein-Taybi syndrome due to CREBBP mutations; Menke-Hennekam syndrome 1. Last evaluated: 2021-11-18. Review status: criteria provided, single submitter. Criteria: ACMG Guidelines, 2015. Collection method: clinical testing. Allele origin: unknown.

Centre for Mendelian Genomics, University Medical Centre Ljubljana
Classification: Uncertain significance for Rubinstein-Taybi syndrome due to CREBBP mutations. Last evaluated: 2020-02-27. Review status: criteria provided, single submitter. Criteria: ACMG Guidelines, 2015. Collection method: clinical testing. Allele origin: unknown. Affected: yes.
Comment: This variant was classified as: Uncertain significance. The available evidence on this variant's pathogenicity is insufficient or conflicting. The following ACMG criteria were applied in classifying this variant: PM2.

NM_004380.3(CREBBP):c.2420G>C (p.Ser807Thr)

Gene: CREBBP (CREB binding lysine acetyltransferase; minus strand). Cytogenetic location: 16p13.3.
Variant type: single nucleotide variant.
Coding change: c.2420G>C on transcript NM_004380.3 (MANE Select); coding-DNA position 2420, G replaced by C.
Protein change: p.Ser807Thr; replaces serine 807 with threonine.
Molecular consequence: missense variant.
Genome position (GRCh38, 1-based): chr16:3,773,794, C>G on the plus strand (G>C on the coding strand, the complement: CREBBP is on the minus strand). VCF-style: chr16-3773794-C-G. GRCh37 (hg19) VCF-style: chr16-3823795-C-G.
Other names: c.2306G>C, p.Ser769Thr (NM_001079846.1); short protein forms S807T, S769T.
Identifiers: ClinVar variation 931917 (VCV000931917.9), dbSNP rs750178517, ClinGen allele CA394552855.